The following is an entry in ClinVar:

NM_001540.5(HSPB1):c.169C>T (p.Pro57Ser)

Gene: HSPB1 (heat shock protein family B (small) member 1; plus strand). Cytogenetic location: 7q11.23.
Variant type: single nucleotide variant.
Coding change: c.169C>T on transcript NM_001540.5 (MANE Select); coding-DNA position 169, C replaced by T.
Protein change: p.Pro57Ser; replaces proline 57 with serine.
Molecular consequence: missense variant.
Genome position (GRCh38, 1-based): chr7:76,302,881, C>T. VCF-style: chr7-76302881-C-T. GRCh37 (hg19) VCF-style: chr7-75932198-C-T.
Other names: short protein forms P57S.
Identifiers: ClinVar variation 957022 (VCV000957022.9), dbSNP rs1803021885, ClinGen allele CA367763046.
Genomic context (GRCh38, chr7:76,302,881, plus strand): 5'-CGGCTGCCGGAGGAGTGGTCGCAGTGGTTAGGCGGCAGCAGCTGGCCAGGCTACGTGCGC[C>T]CCCTGCCCCCCGCCGCCATCGAGAGCCCCGCAGTGGCCGCGCCCGCCTACAGCCGCGCGC-3'
Protein context (NP_001531.1, residues 47-67): GGSSWPGYVR[Pro57Ser]LPPAAIESPA

ClinVar aggregate classification (germline): Uncertain significance (1 of 4 stars; one submission).

Conditions:
Charcot-Marie-Tooth disease axonal type 2F (CMT2F). Also called: CHARCOT-MARIE-TOOTH DISEASE, NEURONAL, TYPE 2F; Charcot-Marie-Tooth Neuropathy Type 2F. Identifiers: Orphanet 99940, MedGen C1847823, MONDO:0011687, OMIM 606595.

Allele frequency attached by ClinVar (database versions not stated): gnomAD exomes below 0.00001.
gnomAD v4.1: 3 of 1,565,960 alleles (0.00019%); highest among the groups gnomAD compares: Non-Finnish European, 0.00026%; no homozygotes.

Submission:

Labcorp Genetics (formerly Invitae), Labcorp
Classification: Uncertain significance for Charcot-Marie-Tooth disease axonal type 2F. Last evaluated: 2019-09-09. Review status: criteria provided, single submitter. Criteria: Invitae Variant Classification Sherloc (09022015). Collection method: clinical testing. Allele origin: germline.
Comment: The frequency data for this variant in the population databases is considered unreliable, as metrics indicate insufficient coverage at this position in the ExAC database. In summary, the available evidence is currently insufficient to determine the role of this variant in disease. Therefore, it has been classified as a Variant of Uncertain Significance. Algorithms developed to predict the effect of missense changes on protein structure and function output the following: SIFT: "Tolerated"; PolyPhen-2: "Benign"; Align-GVGD: "Class C0". The serine amino acid residue is found in multiple mammalian species, suggesting that this missense change does not adversely affect protein function. These predictions have not been confirmed by published functional studies and their clinical significance is uncertain. This variant has not been reported in the literature in individuals with HSPB1-related conditions. This sequence change replaces proline with serine at codon 57 of the HSPB1 protein (p.Pro57Ser). The proline residue is moderately conserved and there is a moderate physicochemical difference between proline and serine.